The following is an entry in ClinVar:

NM_006514.4(SCN10A):c.1390C>G (p.Pro464Ala)

Gene: SCN10A (sodium voltage-gated channel alpha subunit 10; minus strand). Cytogenetic location: 3p22.2.
Variant type: single nucleotide variant.
Coding change: c.1390C>G on transcript NM_006514.4 (MANE Select); coding-DNA position 1390, C replaced by G.
Protein change: p.Pro464Ala; replaces proline 464 with alanine.
Molecular consequence: missense variant.
Genome position (GRCh38, 1-based): chr3:38,755,859, G>C on the plus strand (C>G on the coding strand, the complement: SCN10A is on the minus strand). VCF-style: chr3-38755859-G-C. GRCh37 (hg19) VCF-style: chr3-38797350-G-C.
Other names: c.1390C>G, p.Pro464Ala (NM_001293306.2, NM_001293307.2); short protein forms P464A.
Identifiers: ClinVar variation 3239527 (VCV003239527.19), dbSNP rs750374458.

ClinVar aggregate classification (germline): Uncertain significance (1 of 4 stars; one submission).

Submission:

CeGaT Center for Human Genetics Tuebingen
Classification: Uncertain significance. Last evaluated: 2024-05-01. Review status: criteria provided, single submitter. Criteria: CeGaT Center For Human Genetics Tuebingen Variant Classification Criteria Version 2. Collection method: clinical testing. Allele origin: germline. Affected: yes. Observed: 1 variant allele.
Comment: SCN10A: PM2